The following is an entry in ClinVar:

ClinVar aggregate classification (germline): Uncertain significance (1 of 4 stars; one submission).

Conditions:
Vertebral anomalies and variable endocrine and T-cell dysfunction. Identifiers: MedGen C4748741, MONDO:0032607, OMIM 618223.

Submission:

Juno Genomics, Hangzhou Juno Genomics, Inc
Classification: Uncertain significance for Vertebral anomalies and variable endocrine and T-cell dysfunction. Review status: criteria provided, single submitter. Criteria: ACMG Guidelines, 2015. Collection method: clinical testing. Allele origin: germline.
Comment: Absent from controls (or at extremely low frequency if recessive) in Genome Aggregation Database.;Protein length changes due to in-frame deletions/insertions in a non-repeat region or stop-loss variants.

NM_005994.4(TBX2):c.145_150del (p.Ala49_Lys50del)

Gene: TBX2 (T-box transcription factor 2; plus strand). Cytogenetic location: 17q23.2.
Variant type: Deletion.
Coding change: c.145_150del on transcript NM_005994.4 (MANE Select); coding-DNA positions 145 to 150, 6 bases deleted (GCCAAG; older notation c.145_150delGCCAAG).
Protein change: p.Ala49_Lys50del.
Molecular consequence: inframe deletion.
Genome position (GRCh38, 1-based): chr17:61,400,321-61,400,326, GCCAAG deleted; deleting any 6 consecutive bases within chr17:61,400,320-61,400,326 gives the same sequence; the c. name uses the placement nearest the transcript's 3' end. VCF-style (leftmost placement, unchanged base first): chr17-61400319-TGGCCAA-T. GRCh37 (hg19) VCF-style: chr17-59477680-TGGCCAA-T.
Identifiers: ClinVar variation 5005786 (VCV005005786.2).
Genomic context (GRCh38, chr17:61,400,319, plus strand): 5'-CCTTTCTGGCGGCGGCGCAGCCCTCCTTCTTCCCGGCACTCGCGCTGCCGCCCGGCGCGC[TGGCCAA>T]GCCGCTGCCCGACCCGGGCCTGGCGGGGGCGGCGGCCGCGGCGGCGGCGGCGGCAGCAGC-3'